The following is an entry in ClinVar:

NM_002425.3(MMP10):c.1168G>T (p.Ala390Ser)

Gene: MMP10 (matrix metallopeptidase 10; minus strand). Cytogenetic location: 11q22.2.
Variant type: single nucleotide variant.
Coding change: c.1168G>T on transcript NM_002425.3 (MANE Select); coding-DNA position 1168, G replaced by T.
Protein change: p.Ala390Ser; replaces alanine 390 with serine.
Molecular consequence: missense variant.
Genome position (GRCh38, 1-based): chr11:102,772,905, C>A on the plus strand (G>T on the coding strand, the complement: MMP10 is on the minus strand). VCF-style: chr11-102772905-C-A. GRCh37 (hg19) VCF-style: chr11-102643636-C-A.
Other names: short protein forms A390S.
Identifiers: ClinVar variation 2642322 (VCV002642322.24), dbSNP rs139168339, ClinGen allele CA6249832.
Genomic context (GRCh38, chr11:102,772,905, plus strand): 5'-ACCTCCAGTATTTGTCCGCTGCAAAGAAGTATGTTTTCTTCTTTTCCTTGTCAGAAACAG[C>A]TGCATCAATTTTCCTTATGGTTGGAGGAAAACCCAGGGTATGGATGCCTCTTGGATAACC-3'
Protein context (NP_002416.1, residues 380-400): FPPTIRKIDA[Ala390Ser]VSDKEKKKTY

ClinVar aggregate classification (germline): Likely benign (1 of 4 stars; one submission).

Allele frequency attached by ClinVar (database versions not stated): 1000 Genomes Project 0.00100; 1000 Genomes Project 30x 0.00109; ExAC 0.00113; gnomAD 0.00135; TOPMed 0.00144; ESP Exome Variant Server 0.00185; gnomAD exomes 0.00234.

Submission:

CeGaT Center for Human Genetics Tuebingen
Classification: Likely benign. Last evaluated: 2023-08-01. Review status: criteria provided, single submitter. Criteria: CeGaT Center For Human Genetics Tuebingen Variant Classification Criteria Version 2. Collection method: clinical testing. Allele origin: germline. Affected: yes. Observed: 1 variant allele.
Comment: MMP10: BP4, BS2